The following is an entry in ClinVar:

ClinVar aggregate classification (germline): Pathogenic (1 of 4 stars; one submission).

Submission:

Labcorp Genetics (formerly Invitae), Labcorp
Classification: Pathogenic. Last evaluated: 2023-10-13. Review status: criteria provided, single submitter. Criteria: Invitae Variant Classification Sherloc (09022015). Collection method: clinical testing. Allele origin: germline.
Comment: This sequence change creates a premature translational stop signal (p.Tyr284*) in the PPP2CA gene. While this is not anticipated to result in nonsense mediated decay, it is expected to disrupt the last 26 amino acid(s) of the PPP2CA protein. This variant is not present in population databases (gnomAD no frequency). This variant has not been reported in the literature in individuals affected with PPP2CA-related conditions. ClinVar contains an entry for this variant (Variation ID: 2016857). This variant disrupts a region of the PPP2CA protein in which other variant(s) (p.Arg295*) have been determined to be pathogenic (PMID: 30595372). This suggests that this is a clinically significant region of the protein, and that variants that disrupt it are likely to be disease-causing. For these reasons, this variant has been classified as Pathogenic.

Literature cited by the submitters: PubMed 30595372.

NM_002715.4(PPP2CA):c.852C>G (p.Tyr284Ter)

Gene: PPP2CA (protein phosphatase 2 catalytic subunit alpha; minus strand). Cytogenetic location: 5q31.1.
Variant type: single nucleotide variant.
Coding change: c.852C>G on transcript NM_002715.4 (MANE Select); coding-DNA position 852, C replaced by G.
Protein change: p.Tyr284Ter; replaces tyrosine 284 with a stop codon.
Molecular consequence: nonsense. On other transcripts: non-coding transcript variant (1).
Genome position (GRCh38, 1-based): chr5:134,199,091, G>C on the plus strand (C>G on the coding strand, the complement: PPP2CA is on the minus strand). VCF-style: chr5-134199091-G-C. GRCh37 (hg19) VCF-style: chr5-133534782-G-C.
Other names: c.657C>G, p.Tyr219Ter (NM_001355019.2); short protein forms Y284*, Y219*.
Identifiers: ClinVar variation 2016857 (VCV002016857.4), dbSNP rs777385847, ClinGen allele CA360997811.